The following is an entry in ClinVar:

ClinVar aggregate classification (germline): Likely benign (0 of 4 stars; one submission).

Conditions:
ATG2B-related disorder. Also called: ATG2B-related condition.

Allele frequency attached by ClinVar (database versions not stated): TOPMed 0.00003; gnomAD 0.00011; 1000 Genomes Project 30x 0.00031; 1000 Genomes Project 0.00040.
gnomAD v4.1: 463 of 1,614,122 alleles (0.029%); highest among the groups gnomAD compares: South Asian, 0.48%; 8 homozygotes.

Submission:

PreventionGenetics, part of Exact Sciences
Classification: Likely benign for ATG2B-related condition. Last evaluated: 2020-02-04. Review status: no assertion criteria provided. Collection method: clinical testing. Allele origin: germline.
Comment: This variant is classified as likely benign based on ACMG/AMP sequence variant interpretation guidelines (Richards et al. 2015 PMID: 25741868, with internal and published modifications).

NM_018036.7(ATG2B):c.4602G>A (p.Thr1534=)

Gene: ATG2B (autophagy related 2B; minus strand). Cytogenetic location: 14q32.2.
Variant type: single nucleotide variant.
Coding change: c.4602G>A on transcript NM_018036.7 (MANE Select); coding-DNA position 4602, G replaced by A.
Protein change: p.Thr1534=; no amino-acid change (threonine 1534 retained).
Molecular consequence: synonymous variant.
Genome position (GRCh38, 1-based): chr14:96,305,720, C>T on the plus strand (G>A on the coding strand, the complement: ATG2B is on the minus strand). VCF-style: chr14-96305720-C-T. GRCh37 (hg19) VCF-style: chr14-96772057-C-T.
Identifiers: ClinVar variation 3051990 (VCV003051990.2), dbSNP rs199803616, ClinGen allele CA7335902.